The following is an entry in ClinVar:

NM_001291303.3(FAT4):c.8888C>G (p.Pro2963Arg)

Gene: FAT4 (FAT atypical cadherin 4; plus strand). Cytogenetic location: 4q28.1.
Variant type: single nucleotide variant.
Coding change: c.8888C>G on transcript NM_001291303.3 (MANE Select); coding-DNA position 8888, C replaced by G.
Protein change: p.Pro2963Arg; replaces proline 2963 with arginine.
Molecular consequence: missense variant.
Genome position (GRCh38, 1-based): chr4:125,449,898, C>G. VCF-style: chr4-125449898-C-G. GRCh37 (hg19) VCF-style: chr4-126371053-C-G.
Other names: c.8888C>G, p.Pro2963Arg (NM_001291285.3, NM_001438396.1, NM_001438397.1); c.3659C>G, p.Pro1220Arg (NM_001437895.1); c.8882C>G, p.Pro2961Arg (NM_024582.6); short protein forms P1220R, P2961R, P2963R.
Identifiers: ClinVar variation 4538649 (VCV004538649.1).

ClinVar aggregate classification (germline): Uncertain significance (1 of 4 stars; one submission).

Submission:

GeneDx
Classification: Uncertain significance. Last evaluated: 2025-06-17. Review status: criteria provided, single submitter. Criteria: GeneDx Variant Classification Process June 2021. Collection method: clinical testing. Allele origin: germline. Affected: yes.
Comment: Not observed at significant frequency in large population cohorts (gnomAD); In silico analysis supports that this missense variant has a deleterious effect on protein structure/function; Has not been previously published as pathogenic or benign to our knowledge